The following is an entry in ClinVar:

NM_025132.4(WDR19):c.1629A>G (p.Pro543=)

Gene: WDR19 (WD repeat domain 19; plus strand). Cytogenetic location: 4p14.
Variant type: single nucleotide variant.
Coding change: c.1629A>G on transcript NM_025132.4 (MANE Select); coding-DNA position 1629, A replaced by G.
Protein change: p.Pro543=; no amino-acid change (proline 543 retained).
Molecular consequence: synonymous variant.
Genome position (GRCh38, 1-based): chr4:39,225,033, A>G. VCF-style: chr4-39225033-A-G. GRCh37 (hg19) VCF-style: chr4-39226653-A-G.
Other names: c.1149A>G, p.Pro383= (NM_001317924.2).
Identifiers: ClinVar variation 261860 (VCV000261860.18), dbSNP rs776659376, ClinGen allele CA2891894.

ClinVar aggregate classification (germline): Conflicting classifications of pathogenicity. Review status: criteria provided, conflicting classifications (1 of 4 stars). 4 submissions from 4 submitters: Uncertain significance (1); Likely benign (3). Last evaluated 2025-01-01.

Conditions:
Senior-Loken syndrome 8 (SLSN8). Identifiers: Orphanet 3156, MedGen C4225376, MONDO:0014579, OMIM 616307.
Asphyxiating thoracic dystrophy 5 (SRTD5). Also called: SHORT-RIB THORACIC DYSPLASIA 5 WITH OR WITHOUT POLYDACTYLY; SHORT-RIB THORACIC DYSPLASIA 5 WITHOUT POLYDACTYLY. Identifiers: Orphanet 474, MedGen C3280598, MONDO:0013717, OMIM 614376.

Allele frequency attached by ClinVar (database versions not stated): gnomAD exomes 0.00001 and 0.00002; TOPMed 0.00001; ExAC 0.00003.
gnomAD v4.1: 31 of 1,549,158 alleles (0.002%); highest among the groups gnomAD compares: Non-Finnish European, 0.0024%; no homozygotes.

Submissions (4):

CeGaT Center for Human Genetics Tuebingen
Classification: Likely benign. Last evaluated: 2025-01-01. Review status: criteria provided, single submitter. Criteria: CeGaT Center For Human Genetics Tuebingen Variant Classification Criteria Version 2. Collection method: clinical testing. Allele origin: germline. Affected: yes. Observed: 1 variant allele.
Comment: WDR19: BP4, BP7

Labcorp Genetics (formerly Invitae), Labcorp
Classification: Uncertain significance for Senior-Loken syndrome 8; Asphyxiating thoracic dystrophy 5. Last evaluated: 2024-12-10. Review status: criteria provided, single submitter. Criteria: Invitae Variant Classification Sherloc (09022015). Collection method: clinical testing. Allele origin: germline.
Comment: This sequence change affects codon 543 of the WDR19 mRNA. It is a 'silent' change, meaning that it does not change the encoded amino acid sequence of the WDR19 protein. It affects a nucleotide within the consensus splice site. This variant is present in population databases (rs776659376, gnomAD 0.005%). This variant has not been reported in the literature in individuals affected with WDR19-related conditions. ClinVar contains an entry for this variant (Variation ID: 261860). Algorithms developed to predict the effect of sequence changes on RNA splicing suggest that this variant is not likely to affect RNA splicing. In summary, the available evidence is currently insufficient to determine the role of this variant in disease. Therefore, it has been classified as a Variant of Uncertain Significance.

Blueprint Genetics
Classification: Likely benign. Last evaluated: 2022-06-20. Review status: criteria provided, single submitter. Criteria: ACMG Guidelines, 2015. Collection method: clinical testing. Allele origin: germline.

PreventionGenetics, part of Exact Sciences
Classification: Likely benign. Review status: criteria provided, single submitter. Criteria: ACMG Guidelines, 2015. Collection method: clinical testing. Allele origin: germline.